The following is an entry in ClinVar:

ClinVar aggregate classification (germline): Uncertain significance. Review status: criteria provided, multiple submitters, no conflicts (2 of 4 stars). 4 submissions from 4 submitters: Uncertain significance (4). Last evaluated 2025-06-25.

Conditions:
Retinal dystrophy. Also called: Inherited retinal dystrophy. Identifiers: Orphanet 71862, MedGen C0854723, MeSH D058499, MONDO:0019118, HP:0000556.
CRB1-related disorder. Also called: CRB1-related condition; CRB1-related disorders.
Retinitis pigmentosa 12 (RP12). Also called: RP WITH OR WITHOUT PRESERVED PARAARTERIOLE RETINAL PIGMENT EPITHELIUM; RETINITIS PIGMENTOSA WITH OR WITHOUT PARAARTERIOLAR PRESERVATION OF RETINAL PIGMENT EPITHELIUM; RP WITH OR WITHOUT PPRPE. Identifiers: Orphanet 791, MedGen C1838647, MONDO:0010818, OMIM 600105.
Leber congenital amaurosis 8 (LCA8). Identifiers: Orphanet 65, MedGen C3151202, MONDO:0013453, OMIM 613835.

Allele frequency attached by ClinVar (database versions not stated): ExAC 0.00001; gnomAD 0.00001; gnomAD exomes 0.00001; TOPMed 0.00001.
gnomAD v4.1: 20 of 1,613,690 alleles (0.0012%); highest among the groups gnomAD compares: Non-Finnish European, 0.0017%; no homozygotes.

Submissions (4):

PreventionGenetics, part of Exact Sciences
Classification: Uncertain significance for CRB1-related condition. Last evaluated: 2025-06-25. Review status: criteria provided, single submitter. Criteria: ACMG Guidelines, 2015. Collection method: clinical testing. Allele origin: germline.
Comment: The CRB1 c.4014T>A variant is predicted to result in the amino acid substitution p.Asp1338Glu. This variant was reported, along with a second probable causative variant, in an individual with retinal dystrophy (Ghiam et al. 2020. PubMed ID: 32322752). This variant is reported in 0.0027% of alleles in individuals of European (Non-Finnish) descent in gnomAD. At this time, the clinical significance of this variant is uncertain due to the absence of conclusive functional and genetic evidence.

Blueprint Genetics
Classification: Uncertain significance. Last evaluated: 2023-11-29. Review status: criteria provided, single submitter. Criteria: ACMG Guidelines, 2015. Collection method: clinical testing. Allele origin: germline.

Institute of Human Genetics, Univ. Regensburg, Univ. Regensburg
Classification: Uncertain significance for Retinal dystrophy. Last evaluated: 2022-01-01. Review status: criteria provided, single submitter. Criteria: ACMG Guidelines, 2015. Collection method: clinical testing. Allele origin: germline. Affected: yes.

Labcorp Genetics (formerly Invitae), Labcorp
Classification: Uncertain significance for Leber congenital amaurosis 8; Retinitis pigmentosa 12. Last evaluated: 2021-08-06. Review status: criteria provided, single submitter. Criteria: Invitae Variant Classification Sherloc (09022015). Collection method: clinical testing. Allele origin: germline.
Comment: This sequence change replaces aspartic acid with glutamic acid at codon 1338 of the CRB1 protein (p.Asp1338Glu). The aspartic acid residue is highly conserved and there is a small physicochemical difference between aspartic acid and glutamic acid. This variant is present in population databases (rs778204458, ExAC 0.002%). This variant has not been reported in the literature in individuals with CRB1-related conditions. Algorithms developed to predict the effect of missense changes on protein structure and function (SIFT, PolyPhen-2, Align-GVGD) all suggest that this variant is likely to be tolerated, but these predictions have not been confirmed by published functional studies and their clinical significance is uncertain. In summary, the available evidence is currently insufficient to determine the role of this variant in disease. Therefore, it has been classified as a Variant of Uncertain Significance.

Literature cited by the submitters: PubMed 32322752 (cited by Institute of Human Genetics, Univ. Regensburg, Univ. Regensburg).

NM_201253.3(CRB1):c.4014T>A (p.Asp1338Glu)

Gene: CRB1 (crumbs cell polarity complex component 1; plus strand). Cytogenetic location: 1q31.3.
Variant type: single nucleotide variant.
Coding change: c.4014T>A on transcript NM_201253.3 (MANE Select); coding-DNA position 4014, T replaced by A.
Protein change: p.Asp1338Glu; replaces aspartic acid 1338 with glutamic acid.
Molecular consequence: missense variant. On other transcripts: non-coding transcript variant (2).
Genome position (GRCh38, 1-based): chr1:197,477,672, T>A. VCF-style: chr1-197477672-T-A. GRCh37 (hg19) VCF-style: chr1-197446802-T-A.
Other names: c.3678T>A, p.Asp1226Glu (NM_001193640.2); c.3942T>A, p.Asp1314Glu (NM_001257965.2); c.2406T>A, p.Asp802Glu (NM_001257966.2); c.4014T>A (NM_201253.2); short protein forms D1314E, D802E, D1226E, D1338E.
Identifiers: ClinVar variation 2161047 (VCV002161047.4), dbSNP rs778204458, ClinGen allele CA1312535.
Genomic context (GRCh38, chr1:197,477,672, plus strand): 5'-TTTATTTGCCTTTGCTATAGAATTCGCATCCCAATGATTTCAATCTTTCCAGTTGGCAGA[T>A]GACTTGATCTCCGACATTTTCACCACTATTGGCTCAGTGACTGTCGCCTTGTTACTGATC-3'
Protein context (NP_957705.1, residues 1328-1348): AGERCEVDLA[Asp1338Glu]DLISDIFTTI